The following is an entry in ClinVar:

NM_031471.6(FERMT3):c.224del (p.Gln75fs)

Gene: FERMT3 (FERM domain containing kindlin 3; plus strand). Cytogenetic location: 11q13.1.
Variant type: Deletion.
Coding change: c.224del on transcript NM_031471.6 (MANE Select); coding-DNA position 224, one base deleted (A; older notation c.224delA).
Protein change: p.Gln75fs; shifts the reading frame from glutamine 75.
Molecular consequence: frameshift variant. On other transcripts: 5 prime UTR variant (2).
Genome position (GRCh38, 1-based): chr11:64,210,674, A deleted. VCF-style (leftmost placement, unchanged base first): chr11-64210673-CA-C. GRCh37 (hg19) VCF-style: chr11-63978145-CA-C.
Other names: c.224del, p.Gln75fs (NM_001382361.1, NM_001382362.1, NM_001382448.1 and 1 more transcripts); c.-317del (NM_001382363.1, NM_001382364.1); short protein forms Q75fs.
Identifiers: ClinVar variation 4726349 (VCV004726349.1).

ClinVar aggregate classification (germline): Pathogenic (1 of 4 stars; one submission).

Conditions:
Leukocyte adhesion deficiency 3. Also called: Leukocyte adhesion deficiency, type III; INTEGRIN ACTIVATION DEFICIENCY DISEASE; LEUKOCYTE ADHESION DEFICIENCY 1 VARIANT. Identifiers: Orphanet 2968, Orphanet 99844, MedGen C2748536, MONDO:0013016, OMIM 612840.

Submission:

Labcorp Genetics (formerly Invitae), Labcorp
Classification: Pathogenic for Leukocyte adhesion deficiency 3. Last evaluated: 2025-09-04. Review status: criteria provided, single submitter. Criteria: Invitae Variant Classification Sherloc (09022015). Collection method: clinical testing. Allele origin: germline.
Comment: This sequence change creates a premature translational stop signal (p.Gln75Argfs*90) in the FERMT3 gene. It is expected to result in an absent or disrupted protein product. Loss-of-function variants in FERMT3 are known to be pathogenic (PMID: 19064721, 19234463, 22134107). This variant is not present in population databases (gnomAD no frequency). This variant has not been reported in the literature in individuals affected with FERMT3-related conditions. For these reasons, this variant has been classified as Pathogenic.

Literature cited by the submitters: PubMed 19064721; PubMed 19234463; PubMed 22134107.